The following is an entry in ClinVar:

NM_000127.3(EXT1):c.344A>G (p.Lys115Arg)

Gene: EXT1 (exostosin glycosyltransferase 1; minus strand). Cytogenetic location: 8q24.11.
Variant type: single nucleotide variant.
Coding change: c.344A>G on transcript NM_000127.3 (MANE Select); coding-DNA position 344, A replaced by G.
Protein change: p.Lys115Arg; replaces lysine 115 with arginine.
Molecular consequence: missense variant.
Genome position (GRCh38, 1-based): chr8:118,110,703, T>C on the plus strand (A>G on the coding strand, the complement: EXT1 is on the minus strand). VCF-style: chr8-118110703-T-C. GRCh37 (hg19) VCF-style: chr8-119122942-T-C.
Other names: c.344A>G (NM_000127.2); short protein forms K115R.
Identifiers: ClinVar variation 1045152 (VCV001045152.7), dbSNP rs146127753, ClinGen allele CA4854375.
Genomic context (GRCh38, chr8:118,110,703, plus strand): 5'-AGAATGTTTTGGTAACTTTCGGCGATTTTCTCCCCTTTTTGCTGTGGGTATACGTAGACT[T>C]TGAAGCCGTTTTTCTTGCAAAGGGTGAAATCGAAGCAGGACTCCATGCGGCACTTCTTGC-3'
Protein context (NP_000118.2, residues 105-125): DFTLCKKNGF[Lys115Arg]VYVYPQQKGE

ClinVar aggregate classification (germline): Uncertain significance. Review status: criteria provided, multiple submitters, no conflicts (2 of 4 stars). 2 submissions from 2 submitters: Uncertain significance (2). Last evaluated 2023-07-07.

Conditions:
Multiple congenital exostosis (EXT). Also called: Hereditary multiple osteochondromas; Multiple exostoses; Multiple osteochondromas; MULTIPLE CARTILAGINOUS EXOSTOSES; Hereditary multiple exostoses; Hereditary multiple exostosis. Identifiers: Orphanet 321, MedGen C0015306, MONDO:0005508, HP:0002762.

Allele frequency attached by ClinVar (database versions not stated): gnomAD 0.00001; TOPMed 0.00001; ESP Exome Variant Server 0.00008.
gnomAD v4.1: 9 of 1,614,110 alleles (0.00056%); highest among the groups gnomAD compares: African/African-American, 0.0067%; no homozygotes.

Submissions (2):

GeneDx
Classification: Uncertain significance. Last evaluated: 2023-07-07. Review status: criteria provided, single submitter. Criteria: GeneDx Variant Classification Process June 2021. Collection method: clinical testing. Allele origin: germline. Affected: yes.
Comment: In silico analysis supports that this missense variant does not alter protein structure/function; Has not been previously published as pathogenic or benign to our knowledge

Labcorp Genetics (formerly Invitae), Labcorp
Classification: Uncertain significance for Multiple congenital exostosis. Last evaluated: 2023-05-08. Review status: criteria provided, single submitter. Criteria: Invitae Variant Classification Sherloc (09022015). Collection method: clinical testing. Allele origin: germline.
Comment: In summary, the available evidence is currently insufficient to determine the role of this variant in disease. Therefore, it has been classified as a Variant of Uncertain Significance. Advanced modeling of protein sequence and biophysical properties (such as structural, functional, and spatial information, amino acid conservation, physicochemical variation, residue mobility, and thermodynamic stability) performed at Invitae indicates that this missense variant is not expected to disrupt EXT1 protein function. ClinVar contains an entry for this variant (Variation ID: 1045152). This variant has not been reported in the literature in individuals affected with EXT1-related conditions. This variant is present in population databases (rs146127753, gnomAD 0.01%). This sequence change replaces lysine, which is basic and polar, with arginine, which is basic and polar, at codon 115 of the EXT1 protein (p.Lys115Arg).